The following is an entry in ClinVar:

ClinVar aggregate classification (germline): Uncertain significance (1 of 4 stars; one submission).

Conditions:
Dilated cardiomyopathy 1G (CMD1G). Identifiers: Orphanet 154, MedGen C1858763, MONDO:0011400, OMIM 604145.
Autosomal recessive limb-girdle muscular dystrophy type 2J (LGMDR10). Also called: MUSCULAR DYSTROPHY, LIMB-GIRDLE, AUTOSOMAL RECESSIVE 10; Limb-girdle muscular dystrophy, type 2J. Identifiers: Orphanet 140922, MedGen C1837342, MONDO:0012127, OMIM 608807.

Allele frequency attached by ClinVar (database versions not stated): gnomAD exomes below 0.00001; TOPMed below 0.00001; gnomAD 0.00001.
gnomAD v4.1: 2 of 1,592,936 alleles (0.00013%); highest among the groups gnomAD compares: African/African-American, 0.0013%; no homozygotes.

Submission:

Labcorp Genetics (formerly Invitae), Labcorp
Classification: Uncertain significance for Dilated cardiomyopathy 1G; Autosomal recessive limb-girdle muscular dystrophy type 2J. Last evaluated: 2022-09-22. Review status: criteria provided, single submitter. Criteria: Invitae Variant Classification Sherloc (09022015). Collection method: clinical testing. Allele origin: germline.
Comment: This sequence change falls in intron 162 of the TTN gene. It does not directly change the encoded amino acid sequence of the TTN protein. It affects a nucleotide within the consensus splice site. This variant is not present in population databases (gnomAD no frequency). Variants that disrupt the consensus splice site are a relatively common cause of aberrant splicing (PMID: 17576681, 9536098). Algorithms developed to predict the effect of sequence changes on RNA splicing suggest that this variant may disrupt the consensus splice site. This variant has not been reported in the literature in individuals affected with TTN-related conditions. This variant is located in the I band of TTN (PMID: 25589632). Variants in this region may be clinically relevant, but have not been definitively shown to cause cardiomyopathy or neuromuscular disease (PMID: 27493940, 32778822). In summary, the available evidence is currently insufficient to determine the role of this variant in disease. Therefore, it has been classified as a Variant of Uncertain Significance.

Literature cited by the submitters: PubMed 17576681; PubMed 9536098; PubMed 25589632; PubMed 27493940; PubMed 32778822.

NM_001267550.2(TTN):c.35797+3A>G

Gene: TTN (titin; minus strand). Cytogenetic location: 2q31.2.
Variant type: single nucleotide variant.
Coding change: c.35797+3A>G on transcript NM_001267550.2 (MANE Select); 3 bases into the intron after coding-DNA position 35797, A replaced by G.
Molecular consequence: intron variant.
Genome position (GRCh38, 1-based): chr2:178,667,233, T>C on the plus strand (A>G on the coding strand, the complement: TTN is on the minus strand). VCF-style: chr2-178667233-T-C. GRCh37 (hg19) VCF-style: chr2-179531960-T-C.
Other names: c.13283-24916A>G (NM_003319.4); c.13859-24916A>G (NM_133437.4); c.13658-24916A>G (NM_133432.3); c.31483+2985A>G (NM_133378.4); c.34264+2985A>G (NM_001256850.1).
Identifiers: ClinVar variation 1895839 (VCV001895839.5), dbSNP rs1234521454, ClinGen allele CA761302739.